The following continues an entry in ClinVar:

NM_000492.4(CFTR):c.1675G>A (p.Ala559Thr)

ClinVar aggregate classification (germline): Pathogenic. Pathogenic (1).

Submissions 14 to 18 of 18:

GeneDx
Classification: Pathogenic. Last evaluated: 2017-09-26. Review status: criteria provided, single submitter. Criteria: GeneDx Variant Classification (06012015). Collection method: clinical testing. Allele origin: germline. Affected: yes. Not counted in ClinVar's aggregate classification.
Comment: The A559T variant in the CFTR gene has been reported previously in individuals with cystic fibrosis (Cutting et al., 1990; Keyeux et al., 2003). It is reported as pathogenic in ClinVar but additional evidence is not available (SCV000071496.3, SCV000225523.3, SCV000331552.2, SCV000485203.1; Landrum et al., 2016). Functional studies indicate that cells expressing the A599T variant have a low level of mature CFTR and do not have chloride transport ability (Van Goor et al., 2014). The A559T variant is not observed at a significant frequency in large population cohorts (Lek et al., 2016). The A559T variant is a non-conservative amino acid substitution, which is likely to impact secondary protein structure as these residues differ in polarity, charge, size and/or other properties. This substitution occurs at a position that is conserved across species. Missense variants in nearby residues (including L558S, R560K, R560T, R560S, A561E, V562I, V562L) have been reported in the Human Gene Mutation Database in association with cystic fibrosis (Stenson et al., 2014), supporting the functional importance of this region of the protein. We interpret A559T as a pathogenic variant.

Quest Diagnostics Nichols Institute San Juan Capistrano
Classification: Pathogenic. Last evaluated: 2016-08-12. Review status: criteria provided, single submitter. Criteria: Quest Diagnostics criteria. Collection method: clinical testing. Allele origin: germline. Not counted in ClinVar's aggregate classification.

Women's Health and Genetics/Laboratory Corporation of America, LabCorp
Classification: Pathogenic for Cystic fibrosis. Last evaluated: 2016-06-30. Review status: criteria provided, single submitter. Criteria: LabCorp Variant Classification Summary - May 2015. Collection method: clinical testing. Allele origin: germline. Not counted in ClinVar's aggregate classification.
Comment: Variant summary: The CFTR c.1675G>A (p.Ala559Thr) variant involves the alteration of a conserved nucleotide. Variant is located in the ABC transporter-like domain, P-loop containing nucleoside triphosphate hydrolase domain, and the AAA+ATP domain in the protein. 5/5 in silico tools predict a damaging outcome for this variant. This variant was found in 2/120302 control chromosomes at a frequency of 0.0000166, which does not exceed the estimated maximal expected allele frequency of a pathogenic CFTR variant (0.0129603). This variant has been reported in many affected individuals worldwide and multiple functional studies showed that variant lead to sever defect in CFTR processing and lead to non-detectable level of chloride transport. In addition, multiple clinical diagnostic laboratories/reputable databases classified this variant as pathogenic. Taken together, this variant is classified as pathogenic.

Baylor Genetics
Classification: Pathogenic for Congenital bilateral aplasia of vas deferens from CFTR mutation; Cystic fibrosis. Review status: criteria provided, single submitter. Criteria: ACMG Guidelines, 2015. Collection method: clinical testing. Allele origin: germline. Not counted in ClinVar's aggregate classification.

OMIM
Classification: Pathogenic for CYSTIC FIBROSIS. Last evaluated: 1990-07-26. Review status: no assertion criteria provided. Collection method: literature only. Allele origin: germline. Not counted in ClinVar's aggregate classification.

Literature cited by the submitters: PubMed 30888834 (cited by Natera, Inc.); PubMed 7668304 (cited by 5 submitters); PubMed 32084388 (cited by Natera, Inc.); PubMed 1695717 (cited by 5 submitters); PubMed 9150159 (cited by Labcorp Genetics (formerly Invitae), Labcorp and Women's Health and Genetics/Laboratory Corporation of America, LabCorp); PubMed 9950364 (cited by Labcorp Genetics (formerly Invitae), Labcorp and Women's Health and Genetics/Laboratory Corporation of America, LabCorp); PubMed 12007216 (cited by Labcorp Genetics (formerly Invitae), Labcorp); PubMed 18456578 (cited by Labcorp Genetics (formerly Invitae), Labcorp and Myriad Genetics, Inc.); PubMed 23670503 (cited by Labcorp Genetics (formerly Invitae), Labcorp and Women's Health and Genetics/Laboratory Corporation of America, LabCorp); PubMed 23974870 (cited by 4 submitters); PubMed 25489051 (cited by Labcorp Genetics (formerly Invitae), Labcorp); PubMed 1712898 (cited by 4 submitters); PubMed 23891399 (cited by 3 submitters); PubMed 10653145 (cited by Eurofins Ntd Llc (ga) and Women's Health and Genetics/Laboratory Corporation of America, LabCorp); PubMed 7686820 (cited by Eurofins Ntd Llc (ga)); PubMed 15858154 (cited by Women's Health and Genetics/Laboratory Corporation of America, LabCorp); PubMed 11388756 (cited by Women's Health and Genetics/Laboratory Corporation of America, LabCorp); PubMed 7506096 (cited by Women's Health and Genetics/Laboratory Corporation of America, LabCorp); PubMed 16963320 (cited by Women's Health and Genetics/Laboratory Corporation of America, LabCorp); PubMed 12938099 (cited by Women's Health and Genetics/Laboratory Corporation of America, LabCorp); PubMed 12865275 (cited by Women's Health and Genetics/Laboratory Corporation of America, LabCorp); PubMed 15371903 (cited by Women's Health and Genetics/Laboratory Corporation of America, LabCorp); PubMed 15371902 (cited by Women's Health and Genetics/Laboratory Corporation of America, LabCorp); PubMed 12815607 (cited by Women's Health and Genetics/Laboratory Corporation of America, LabCorp); PubMed 15025720 (cited by Women's Health and Genetics/Laboratory Corporation of America, LabCorp); PubMed 20932301 (cited by Women's Health and Genetics/Laboratory Corporation of America, LabCorp).